The following is an entry in ClinVar:

NM_032806.6(POMGNT2):c.488A>G (p.Asn163Ser)

Gene: POMGNT2 (protein O-linked mannose N-acetylglucosaminyltransferase 2 (beta 1,4-); minus strand). Cytogenetic location: 3p22.1.
Variant type: single nucleotide variant.
Coding change: c.488A>G on transcript NM_032806.6 (MANE Select); coding-DNA position 488, A replaced by G.
Protein change: p.Asn163Ser; replaces asparagine 163 with serine.
Molecular consequence: missense variant.
Genome position (GRCh38, 1-based): chr3:43,080,944, T>C on the plus strand (A>G on the coding strand, the complement: POMGNT2 is on the minus strand). VCF-style: chr3-43080944-T-C. GRCh37 (hg19) VCF-style: chr3-43122436-T-C.
Other names: c.488A>G (NM_032806.4); short protein forms N163S.
Identifiers: ClinVar variation 473280 (VCV000473280.15), dbSNP rs140389725, ClinGen allele CA2340059.

ClinVar aggregate classification (germline): Conflicting classifications of pathogenicity. Review status: criteria provided, conflicting classifications (1 of 4 stars). 4 submissions from 4 submitters: Uncertain significance (1); Likely benign (2). 1 of the submissions does not count toward it. Last evaluated 2026-01-28.

Conditions:
Inborn genetic diseases. Identifiers: MedGen C0950123, MeSH D030342.
POMGNT2-related disorder. Also called: POMGNT2-related condition.
Muscular dystrophy-dystroglycanopathy (congenital with brain and eye anomalies), type a, 8 (MDDGA8). Also called: WALKER-WARBURG SYNDROME OR MUSCLE-EYE-BRAIN DISEASE, GTDC2-RELATED. Identifiers: Orphanet 899, MedGen C3553813, MONDO:0013904, OMIM 614830.

Allele frequency attached by ClinVar (database versions not stated): gnomAD exomes 0.00013; ExAC 0.00017; ESP Exome Variant Server 0.00031; 1000 Genomes Project 30x 0.00047; gnomAD 0.00058 and 0.00067; 1000 Genomes Project 0.00060; TOPMed 0.00060.

Submissions (4):

Labcorp Genetics (formerly Invitae), Labcorp
Classification: Likely benign for Muscular dystrophy-dystroglycanopathy (congenital with brain and eye anomalies), type a, 8. Last evaluated: 2026-01-28. Review status: criteria provided, single submitter. Criteria: Invitae Variant Classification Sherloc (09022015). Collection method: clinical testing. Allele origin: germline.

GeneDx
Classification: Uncertain significance. Last evaluated: 2022-10-06. Review status: criteria provided, single submitter. Criteria: GeneDx Variant Classification Process June 2021. Collection method: clinical testing. Allele origin: germline. Affected: yes.
Comment: Has not been previously published as pathogenic or benign to our knowledge; In silico analysis, which includes protein predictors and evolutionary conservation, supports a deleterious effect

Ambry Genetics
Classification: Likely benign for Inborn genetic diseases. Last evaluated: 2022-02-17. Review status: criteria provided, single submitter. Criteria: Ambry Variant Classification Scheme 2023. Collection method: clinical testing. Allele origin: germline.

PreventionGenetics, part of Exact Sciences
Classification: Likely benign for POMGNT2-related condition. Last evaluated: 2023-02-02. Review status: no assertion criteria provided. Collection method: clinical testing. Allele origin: germline. Not counted in ClinVar's aggregate classification.
Comment: This variant is classified as likely benign based on ACMG/AMP sequence variant interpretation guidelines (Richards et al. 2015 PMID: 25741868, with internal and published modifications).